The following is an entry in ClinVar:

NM_020297.4(ABCC9):c.1130T>C (p.Ile377Thr)

Gene: ABCC9 (ATP binding cassette subfamily C member 9; minus strand). Cytogenetic location: 12p12.1.
Variant type: single nucleotide variant.
Coding change: c.1130T>C on transcript NM_020297.4 (MANE Select); coding-DNA position 1130, T replaced by C.
Protein change: p.Ile377Thr; replaces isoleucine 377 with threonine.
Molecular consequence: missense variant.
Genome position (GRCh38, 1-based): chr12:21,910,860, A>G on the plus strand (T>C on the coding strand, the complement: ABCC9 is on the minus strand). VCF-style: chr12-21910860-A-G. GRCh37 (hg19) VCF-style: chr12-22063794-A-G.
Other names: c.1130T>C, p.Ile377Thr (NM_001377273.1, NM_005691.4); c.266T>C, p.Ile89Thr (NM_001377274.1); short protein forms I377T, I89T.
Identifiers: ClinVar variation 452446 (VCV000452446.6), dbSNP rs368908490, ClinGen allele CA6481729.

ClinVar aggregate classification (germline): Uncertain significance. Review status: criteria provided, multiple submitters, no conflicts (2 of 4 stars). 3 submissions from 3 submitters: Uncertain significance (3). Last evaluated 2024-10-16.

Conditions:
Dilated cardiomyopathy 1O (CMD1O). Also called: CARDIOMYOPATHY, DILATED, WITH VENTRICULAR TACHYCARDIA. Identifiers: Orphanet 154, MedGen C1837839, MONDO:0012062, OMIM 608569.
Cardiovascular phenotype. Identifiers: MedGen CN230736.

Allele frequency attached by ClinVar (database versions not stated): ExAC 0.00001; gnomAD 0.00001; gnomAD exomes 0.00001; TOPMed 0.00001; ESP Exome Variant Server 0.00008.
gnomAD v4.1: 14 of 1,612,360 alleles (0.00087%); highest among the groups gnomAD compares: Non-Finnish European, 0.0012%; no homozygotes.

Submissions (3):

Labcorp Genetics (formerly Invitae), Labcorp
Classification: Uncertain significance for Dilated cardiomyopathy 1O. Last evaluated: 2024-10-16. Review status: criteria provided, single submitter. Criteria: Invitae Variant Classification Sherloc (09022015). Collection method: clinical testing. Allele origin: germline.
Comment: This sequence change replaces isoleucine, which is neutral and non-polar, with threonine, which is neutral and polar, at codon 377 of the ABCC9 protein (p.Ile377Thr). This variant is present in population databases (rs368908490, gnomAD 0.002%). This variant has not been reported in the literature in individuals affected with ABCC9-related conditions. ClinVar contains an entry for this variant (Variation ID: 452446). Invitae Evidence Modeling of protein sequence and biophysical properties (such as structural, functional, and spatial information, amino acid conservation, physicochemical variation, residue mobility, and thermodynamic stability) has been performed for this missense variant. However, the output from this modeling did not meet the statistical confidence thresholds required to predict the impact of this variant on ABCC9 protein function. In summary, the available evidence is currently insufficient to determine the role of this variant in disease. Therefore, it has been classified as a Variant of Uncertain Significance.

Ambry Genetics
Classification: Uncertain significance for Cardiovascular phenotype. Last evaluated: 2024-10-14. Review status: criteria provided, single submitter. Criteria: Ambry Variant Classification Scheme 2023. Collection method: clinical testing. Allele origin: germline.
Comment: The p.I377T variant (also known as c.1130T>C), located in coding exon 7 of the ABCC9 gene, results from a T to C substitution at nucleotide position 1130. The isoleucine at codon 377 is replaced by threonine, an amino acid with similar properties. This amino acid position is well conserved in available vertebrate species; however, threonine is the reference amino acid in other vertebrate species. In addition, the in silico prediction for this alteration is inconclusive. Since supporting evidence is limited at this time, the clinical significance of this alteration remains unclear.

GeneDx
Classification: Uncertain significance. Last evaluated: 2017-09-29. Review status: criteria provided, single submitter. Criteria: GeneDx Variant Classification (06012015). Collection method: clinical testing. Allele origin: germline. Affected: yes.
Comment: The I377T variant has not been published as pathogenic or been reported as benign to our knowledge. The I377T variant is not observed at a significant frequency in large population cohorts (Lek et al., 2016). The I377T variant is a non-conservative amino acid substitution, which is likely to impact secondary protein structure as these residues differ in polarity, charge, size and/or other properties. This substitution occurs at a position that is conserved in most mammals, though T377 is wild-type in multiple other species. In silico analysis is inconsistent in its predictions as to whether or not the variant is damaging to the protein structure/function.